The following is an entry in ClinVar:

NM_001368809.2(AMPD2):c.193A>G (p.Met65Val)

Gene: AMPD2 (adenosine monophosphate deaminase 2; plus strand). Cytogenetic location: 1p13.3.
Variant type: single nucleotide variant.
Coding change: c.193A>G on transcript NM_001368809.2 (MANE Select); coding-DNA position 193, A replaced by G.
Protein change: p.Met65Val; replaces methionine 65 with valine.
Molecular consequence: missense variant. On other transcripts: initiator codon variant (1), intron variant (1).
Genome position (GRCh38, 1-based): chr1:109,625,404, A>G. VCF-style: chr1-109625404-A-G. GRCh37 (hg19) VCF-style: chr1-110168026-A-G.
Other names: c.1A>G, p.Met1Val (NM_001257361.2); c.193A>G, p.Met65Val (NM_004037.9); c.112A>G, p.Met38Val (NM_139156.4); c.160-258A>G (NM_001308170.1); short protein forms M38V, M1V, M65V.
Identifiers: ClinVar variation 4794109 (VCV004794109.1).

ClinVar aggregate classification (germline): Uncertain significance (1 of 4 stars; one submission).

Conditions:
Hereditary spastic paraplegia 63. Also called: Spastic paraplegia 63, autosomal recessive. Identifiers: Orphanet 401805, MedGen C3810295, MONDO:0014305, OMIM 615686.
Pontocerebellar hypoplasia type 9. Identifiers: Orphanet 369920, MedGen C4014354, MONDO:0014351, OMIM 615809.

gnomAD v4.1: 1 of 1,613,902 alleles (0.000062%); highest among the groups gnomAD compares: Non-Finnish European, 0.000085%; no homozygotes.

Submission:

Labcorp Genetics (formerly Invitae), Labcorp
Classification: Uncertain significance for Pontocerebellar hypoplasia type 9; Hereditary spastic paraplegia 63. Last evaluated: 2025-09-16. Review status: criteria provided, single submitter. Criteria: Invitae Variant Classification Sherloc (09022015). Collection method: clinical testing. Allele origin: germline.
Comment: This sequence change replaces methionine, which is neutral and non-polar, with valine, which is neutral and non-polar, at codon 119 of the AMPD2 protein (p.Met119Val). This variant is not present in population databases (gnomAD no frequency). This variant has not been reported in the literature in individuals affected with AMPD2-related conditions. An algorithm developed to predict the effect of missense changes on protein structure and function (PolyPhen-2) suggests that this variant is likely to be disruptive. In summary, the available evidence is currently insufficient to determine the role of this variant in disease. Therefore, it has been classified as a Variant of Uncertain Significance.